The following is an entry in ClinVar:

ClinVar aggregate classification (germline): Uncertain significance. Review status: criteria provided, multiple submitters, no conflicts (2 of 4 stars). 2 submissions from 2 submitters: Uncertain significance (2). Last evaluated 2025-06-29.

Conditions:
Inborn genetic diseases. Identifiers: MedGen C0950123, MeSH D030342.

gnomAD v4.1: 8 of 1,614,040 alleles (0.0005%); highest among the groups gnomAD compares: Non-Finnish European, 0.00068%; no homozygotes.

Submissions (2):

Labcorp Genetics (formerly Invitae), Labcorp
Classification: Uncertain significance. Last evaluated: 2025-06-29. Review status: criteria provided, single submitter. Criteria: Invitae Variant Classification Sherloc (09022015). Collection method: clinical testing. Allele origin: germline.
Comment: This sequence change replaces proline, which is neutral and non-polar, with alanine, which is neutral and non-polar, at codon 660 of the ALPK1 protein (p.Pro660Ala). This variant is not present in population databases (gnomAD no frequency). This variant has not been reported in the literature in individuals affected with ALPK1-related conditions. ClinVar contains an entry for this variant (Variation ID: 2269289). Invitae Evidence Modeling of protein sequence and biophysical properties (such as structural, functional, and spatial information, amino acid conservation, physicochemical variation, residue mobility, and thermodynamic stability) indicates that this missense variant is not expected to disrupt ALPK1 protein function with a negative predictive value of 80%. In summary, the available evidence is currently insufficient to determine the role of this variant in disease. Therefore, it has been classified as a Variant of Uncertain Significance.

Ambry Genetics
Classification: Uncertain significance for Inborn genetic diseases. Last evaluated: 2022-01-04. Review status: criteria provided, single submitter. Criteria: Ambry Variant Classification Scheme 2023. Collection method: clinical testing. Allele origin: germline.

NM_025144.4(ALPK1):c.1978C>G (p.Pro660Ala)

Gene: ALPK1 (alpha kinase 1; plus strand). Cytogenetic location: 4q25.
Variant type: single nucleotide variant.
Coding change: c.1978C>G on transcript NM_025144.4 (MANE Select); coding-DNA position 1978, C replaced by G.
Protein change: p.Pro660Ala; replaces proline 660 with alanine.
Molecular consequence: missense variant.
Genome position (GRCh38, 1-based): chr4:112,431,525, C>G. VCF-style: chr4-112431525-C-G. GRCh37 (hg19) VCF-style: chr4-113352681-C-G.
Other names: c.1978C>G, p.Pro660Ala (NM_001102406.2); c.1744C>G, p.Pro582Ala (NM_001253884.2); short protein forms P582A, P660A.
Identifiers: ClinVar variation 2269289 (VCV002269289.5), dbSNP rs775074954, ClinGen allele CA3046833.